The following is an entry in ClinVar:

NM_001379081.2(FREM1):c.2420C>G (p.Thr807Ser)

Gene: FREM1 (FRAS1 related extracellular matrix 1; minus strand). Cytogenetic location: 9p22.3.
Variant type: single nucleotide variant.
Coding change: c.2420C>G on transcript NM_001379081.2 (MANE Select); coding-DNA position 2420, C replaced by G.
Protein change: p.Thr807Ser; replaces threonine 807 with serine.
Molecular consequence: missense variant. On other transcripts: non-coding transcript variant (2).
Genome position (GRCh38, 1-based): chr9:14,819,360, G>C on the plus strand (C>G on the coding strand, the complement: FREM1 is on the minus strand). VCF-style: chr9-14819360-G-C. GRCh37 (hg19) VCF-style: chr9-14819358-G-C.
Other names: c.2420C>G, p.Thr807Ser (NM_144966.7); short protein forms T807S.
Identifiers: ClinVar variation 366145 (VCV000366145.11), dbSNP rs768631811, ClinGen allele CA4990929.

ClinVar aggregate classification (germline): Uncertain significance. Review status: criteria provided, multiple submitters, no conflicts (2 of 4 stars). 5 submissions from 5 submitters: Uncertain significance (5). Last evaluated 2024-06-04.

Conditions:
Oculotrichoanal syndrome (MOTA). Also called: MARLES SYNDROME; Manitoba Oculotrichoanal (MOTA) Syndrome. Identifiers: Orphanet 2717, MedGen C1855425, MONDO:0009560, OMIM 248450.
Trigonocephaly 2 (TRIGNO2). Identifiers: Orphanet 3366, MedGen C3280974, MONDO:0013774, OMIM 614485.
BNAR syndrome. Also called: Bifid Nose With or Without Anorectal and Renal Anomalies (BNAR) Syndrome. Identifiers: Orphanet 217266, MedGen C2750433, MONDO:0012165, OMIM 608980.
Inborn genetic diseases. Identifiers: MedGen C0950123, MeSH D030342.

Allele frequency attached by ClinVar (database versions not stated): gnomAD 0.00009 and 0.00008; TOPMed 0.00017; gnomAD exomes 0.00002 and 0.00005; ExAC 0.00003.
gnomAD v4.1: 58 of 1,613,354 alleles (0.0036%); highest among the groups gnomAD compares: Middle Eastern, 0.033%; no homozygotes.

Submissions (5):

Ambry Genetics
Classification: Uncertain significance for Inborn genetic diseases. Last evaluated: 2024-06-04. Review status: criteria provided, single submitter. Criteria: Ambry Variant Classification Scheme 2023. Collection method: clinical testing. Allele origin: germline.

Fulgent Genetics
Classification: Uncertain significance for Oculotrichoanal syndrome; BNAR syndrome; Trigonocephaly 2. Last evaluated: 2024-05-31. Review status: criteria provided, single submitter. Criteria: ACMG Guidelines, 2015. Collection method: clinical testing. Allele origin: germline.

Labcorp Genetics (formerly Invitae), Labcorp
Classification: Uncertain significance. Last evaluated: 2021-10-28. Review status: criteria provided, single submitter. Criteria: Invitae Variant Classification Sherloc (09022015). Collection method: clinical testing. Allele origin: germline.
Comment: This sequence change replaces threonine, which is neutral and polar, with serine, which is neutral and polar, at codon 807 of the FREM1 protein (p.Thr807Ser). This variant is present in population databases (rs768631811, gnomAD 0.01%). This variant has not been reported in the literature in individuals affected with FREM1-related conditions. ClinVar contains an entry for this variant (Variation ID: 366145). Algorithms developed to predict the effect of missense changes on protein structure and function are either unavailable or do not agree on the potential impact of this missense change (SIFT: "Tolerated"; PolyPhen-2: "Possibly Damaging"; Align-GVGD: "Class C0"). In summary, the available evidence is currently insufficient to determine the role of this variant in disease. Therefore, it has been classified as a Variant of Uncertain Significance.

GeneDx
Classification: Uncertain significance. Last evaluated: 2020-01-13. Review status: criteria provided, single submitter. Criteria: GeneDx Variant Classification Process June 2021. Collection method: clinical testing. Allele origin: germline. Affected: yes.
Comment: In silico analysis, which includes protein predictors and evolutionary conservation, supports a deleterious effect; Has not been previously published as pathogenic or benign to our knowledge

Illumina Laboratory Services, Illumina
Classification: Uncertain significance for Oculotrichoanal syndrome. Last evaluated: 2018-01-13. Review status: criteria provided, single submitter. Criteria: ICSL Variant Classification Criteria 13 December 2019. Collection method: clinical testing. Allele origin: germline.